The following is an entry in ClinVar:

ClinVar aggregate classification (germline): Likely benign. Review status: criteria provided, multiple submitters, no conflicts (2 of 4 stars). 2 submissions from 2 submitters: Likely benign (2). Last evaluated 2023-01-16.

Conditions:
Long QT syndrome (LQTS). Identifiers: MedGen C0023976, MeSH D008133, MONDO:0002442. Disease mechanism: loss of function. Inheritance: Various modes of inheritance.

Allele frequency attached by ClinVar (database versions not stated): ExAC 0.00004.
gnomAD v4.1: 11 of 1,481,412 alleles (0.00074%); highest among the groups gnomAD compares: Non-Finnish European, 0.00094%; no homozygotes.

Submissions (2):

Labcorp Genetics (formerly Invitae), Labcorp
Classification: Likely benign for Long QT syndrome. Last evaluated: 2023-01-16. Review status: criteria provided, single submitter. Criteria: Invitae Variant Classification Sherloc (09022015). Collection method: clinical testing. Allele origin: germline.

GeneDx
Classification: Likely benign. Last evaluated: 2016-01-20. Review status: criteria provided, single submitter. Criteria: GeneDx Variant Classification (06012015). Collection method: clinical testing. Allele origin: germline. Affected: yes.
Comment: This variant is considered likely benign or benign based on one or more of the following criteria: it is a conservative change, it occurs at a poorly conserved position in the protein, it is predicted to be benign by multiple in silico algorithms, and/or has population frequency not consistent with disease.

NM_000719.7(CACNA1C):c.4232+18T>G

Gene: CACNA1C (calcium voltage-gated channel subunit alpha1 C; plus strand). Cytogenetic location: 12p13.33.
Variant type: single nucleotide variant.
Coding change: c.4232+18T>G on transcript NM_000719.7 (MANE Select); 18 bases into the intron after coding-DNA position 4232, T replaced by G.
Molecular consequence: intron variant.
Genome position (GRCh38, 1-based): chr12:2,655,256, T>G. VCF-style: chr12-2655256-T-G. GRCh37 (hg19) VCF-style: chr12-2764422-T-G.
Other names: c.4232+18T>G (NM_001167624.3, NM_001167623.2, NM_001129840.2 and 7 more transcripts); c.4199+18T>G (NM_001167625.2, NM_001129837.2, NM_001129838.2 and 1 more transcripts); c.4376+18T>G (NM_199460.4, NM_001129827.2); c.4292+18T>G (NM_001129832.2); c.4316+18T>G (NM_001129831.2); c.4298+18T>G (NM_001129829.2); c.4193+18T>G (NM_001129839.2); c.4283+18T>G (NM_001129836.2); and 1 more.
Identifiers: ClinVar variation 383143 (VCV000383143.6), dbSNP rs779157902, ClinGen allele CA6389511.
Genomic context (GRCh38, chr12:2,655,256, plus strand): 5'-ACAACTTTCAGACCTTCCCCCAGGCCGTGCTGCTCCTCTTCAGGTGGGTCCCTGAAGACA[T>G]AGGTGCACAGATACACACACACCTGCATGGTGCCACACTGTGGCCTGGTGGTAGAATGAA-3'